The following is an entry in ClinVar:

NM_001370259.2(MEN1):c.398A>G (p.Tyr133Cys)

Gene: MEN1 (menin 1; minus strand). Cytogenetic location: 11q13.1.
Variant type: single nucleotide variant.
Coding change: c.398A>G on transcript NM_001370259.2 (MANE Select); coding-DNA position 398, A replaced by G.
Protein change: p.Tyr133Cys; replaces tyrosine 133 with cysteine.
Molecular consequence: missense variant.
Genome position (GRCh38, 1-based): chr11:64,809,712, T>C on the plus strand (A>G on the coding strand, the complement: MEN1 is on the minus strand). VCF-style: chr11-64809712-T-C. GRCh37 (hg19) VCF-style: chr11-64577184-T-C.
Other names: c.398A>G, p.Tyr133Cys (NM_001370251.2, NM_001370260.2, NM_001370261.2 and 9 more transcripts); short protein forms Y133C.
Identifiers: ClinVar variation 457322 (VCV000457322.8), dbSNP rs1555166357, ClinGen allele CA381187243.
Genomic context (GRCh38, chr11:64,809,712, plus strand): 5'-ACTGGGCTCCAACCTGTGATGAAGCTGAAGAGGGACTGGATGTGGGCCCGATCCTTGAAG[T>C]AGGAGCGGCTGAGGCTGTTCCATATGACATCGGAGACCTTCTTCACCAGCTCACGGCTGG-3'
Protein context (NP_001357188.2, residues 123-143): DVIWNSLSRS[Tyr133Cys]FKDRAHIQSL

ClinVar aggregate classification (germline): Uncertain significance (1 of 4 stars; one submission).

Conditions:
Multiple endocrine neoplasia, type 1 (MEN1). Also called: MEN I; WERMER SYNDROME; Endocrine adenomatosis multiple; MEN 1; MEA I. Identifiers: Orphanet 652, MedGen C0025267, MeSH D018761, MONDO:0007540, OMIM 131100.

Submission:

Labcorp Genetics (formerly Invitae), Labcorp
Classification: Uncertain significance for Multiple endocrine neoplasia, type 1. Last evaluated: 2017-03-09. Review status: criteria provided, single submitter. Criteria: Invitae Variant Classification Sherloc (09022015). Collection method: clinical testing. Allele origin: germline.
Comment: In summary, this variant is a novel missense change with uncertain impact on protein function. It has been classified as a Variant of Uncertain Significance. Algorithms developed to predict the effect of missense changes on protein structure and function do not agree on the potential impact of this missense change (SIFT: "Deleterious"; PolyPhen-2: "Probably Damaging"; Align-GVGD: "Class C0"). This variant is not present in population databases (ExAC no frequency) and has not been reported in the literature in individuals with a MEN1-related disease. This sequence change replaces tyrosine with cysteine at codon 133 of the MEN1 protein (p.Tyr133Cys). The tyrosine residue is highly conserved and there is a large physicochemical difference between tyrosine and cysteine.